The following is an entry in ClinVar:

NM_003738.5(PTCH2):c.1172_1173del (p.Phe390_Ser391insTer)

Gene: PTCH2 (patched 2; minus strand). Cytogenetic location: 1p34.1.
Variant type: Microsatellite.
Coding change: c.1172_1173del on transcript NM_003738.5 (MANE Select); coding-DNA positions 1172 to 1173, 2 bases deleted (CT; older notation c.1172_1173delCT).
Protein change: p.Phe390_Ser391insTer.
Molecular consequence: nonsense.
Genome position (GRCh38, 1-based): chr1:44,829,444-44,829,445, AG deleted on the plus strand (CT on the coding strand, the reverse complement: PTCH2 is on the minus strand); deleting any 2 consecutive bases within chr1:44,829,444-44,829,448 gives the same sequence; the c. name uses the placement nearest the transcript's 3' end. VCF-style (leftmost placement, unchanged base first): chr1-44829443-CAG-C. GRCh37 (hg19) VCF-style: chr1-45295115-CAG-C.
Other names: c.1172_1173delCT (NM_003738.4, NM_001166292.1); c.1172_1173del, p.Phe390_Ser391insTer (NM_001166292.2).
Identifiers: ClinVar variation 6145 (VCV000006145.18), dbSNP rs56126236, ClinGen allele CA117974.

ClinVar aggregate classification (germline): Conflicting classifications of pathogenicity. Review status: criteria provided, conflicting classifications (1 of 4 stars). 8 submissions from 7 submitters: Uncertain significance (4); Likely benign (1). 3 of the submissions do not count toward it. Last evaluated 2025-12-30.

Conditions:
Medulloblastoma (MDB). Also called: MEDULLOBLASTOMA PREDISPOSITION SYNDROME; Medulloblastoma, somatic. Identifiers: Orphanet 616, MedGen C0025149, MeSH D008527, MONDO:0007959, OMIM 155255, HP:0002885.
Basal cell carcinoma, susceptibility to, 1. Also called: BCC1. Identifiers: MedGen C2751544, MONDO:0011556, OMIM 605462.
Gorlin syndrome. Also called: Basal cell nevus syndrome; Nevoid Basal Cell Carcinoma Syndrome. Identifiers: Orphanet 377, MedGen C0004779, MONDO:0007187.

Submissions (8):

Labcorp Genetics (formerly Invitae), Labcorp
Classification: Likely benign for Gorlin syndrome. Last evaluated: 2025-12-30. Review status: criteria provided, single submitter. Criteria: Invitae Variant Classification Sherloc (09022015). Collection method: clinical testing. Allele origin: germline.

Fulgent Genetics
Classification: Uncertain significance for Medulloblastoma; Basal cell carcinoma, susceptibility to, 1. Last evaluated: 2024-04-29. Review status: criteria provided, single submitter. Criteria: ACMG Guidelines, 2015. Collection method: clinical testing. Allele origin: germline.

Department of Pathology and Laboratory Medicine, Sinai Health System
Classification: Uncertain significance for Basal cell carcinoma, susceptibility to, 1. Last evaluated: 2022-09-19. Review status: criteria provided, single submitter. Criteria: ACMG Guidelines, 2015. Collection method: research. Allele origin: germline.

Mendelics
Classification: Uncertain significance for Basal cell nevus syndrome 1. Last evaluated: 2019-05-28. Review status: criteria provided, single submitter. Criteria: Mendelics Assertion Criteria 2017. Collection method: clinical testing. Allele origin: unknown.

Baylor Genetics
Classification: Uncertain significance for Basal cell nevus syndrome 1. Last evaluated: 2018-02-14. Review status: criteria provided, single submitter. Criteria: ACMG Guidelines, 2015. Collection method: clinical testing. Allele origin: unknown. Affected: yes.
Comment: This variant was determined to be of uncertain significance according to ACMG Guidelines, 2015 [PMID:25741868].

OMIM
Classification: Uncertain significance for RECLASSIFIED - VARIANT OF UNKNOWN SIGNIFICANCE. Last evaluated: 2023-04-21. Review status: no assertion criteria provided. Collection method: literature only. Allele origin: germline. Not counted in ClinVar's aggregate classification.

Soonchunhyang University Bucheon Hospital, Soonchunhyang University Medical Center
Classification: Likely pathogenic for Basal cell nevus syndrome 1. Last evaluated: 2016-03-18. Review status: flagged submission. Criteria: ACMG Guidelines, 2015. Collection method: reference population. Allele origin: germline. Observed: 2 variant alleles. Not counted in ClinVar's aggregate classification.
ClinVar note: Reason: Older and outlier claim with insufficient supporting evidence

OMIM
Classification: Pathogenic for MEDULLOBLASTOMA, SOMATIC. Last evaluated: 1999-02-01. Review status: flagged submission. Collection method: literature only. Allele origin: somatic. Not counted in ClinVar's aggregate classification.
ClinVar note: Reason: New submission from submitter that appears to have been intended to update this older submission

Literature cited by the submitters: PubMed 23479190 (cited by OMIM and Soonchunhyang University Bucheon Hospital, Soonchunhyang University Medical Center); PubMed 34170463 (cited by OMIM); PubMed 9931336 (cited by OMIM).